The following is an entry in ClinVar:

ClinVar aggregate classification (germline): Uncertain significance. Review status: criteria provided, multiple submitters, no conflicts (2 of 4 stars). 2 submissions from 2 submitters: Uncertain significance (2). Last evaluated 2025-06-18.

Allele frequency attached by ClinVar (database versions not stated): ExAC 0.00001; gnomAD exomes 0.00001; TOPMed 0.00001.
gnomAD v4.1: 12 of 1,604,466 alleles (0.00075%); highest among the groups gnomAD compares: East Asian, 0.0045%; no homozygotes.

Submissions (2):

Ambry Genetics
Classification: Uncertain significance. Last evaluated: 2025-06-18. Review status: criteria provided, single submitter. Criteria: Ambry Variant Classification Scheme 2023. Collection method: clinical testing. Allele origin: germline.

Labcorp Genetics (formerly Invitae), Labcorp
Classification: Uncertain significance. Last evaluated: 2025-04-14. Review status: criteria provided, single submitter. Criteria: Invitae Variant Classification Sherloc (09022015). Collection method: clinical testing. Allele origin: germline.
Comment: This sequence change replaces threonine, which is neutral and polar, with methionine, which is neutral and non-polar, at codon 763 of the MCM2 protein (p.Thr763Met). This variant is present in population databases (rs757604548, gnomAD 0.01%). This variant has not been reported in the literature in individuals affected with MCM2-related conditions. ClinVar contains an entry for this variant (Variation ID: 1362062). Invitae Evidence Modeling of protein sequence and biophysical properties (such as structural, functional, and spatial information, amino acid conservation, physicochemical variation, residue mobility, and thermodynamic stability) indicates that this missense variant is expected to disrupt MCM2 protein function with a positive predictive value of 80%. In summary, the available evidence is currently insufficient to determine the role of this variant in disease. Therefore, it has been classified as a Variant of Uncertain Significance.

NM_004526.4(MCM2):c.2288C>T (p.Thr763Met)

Genes: MCM2 (minichromosome maintenance complex component 2; plus strand), LOC107986126 (uncharacterized LOC107986126; minus strand). Cytogenetic location: 3q21.3.
Variant type: single nucleotide variant.
Coding change: c.2288C>T on transcript NM_004526.4 (MANE Select); coding-DNA position 2288, C replaced by T.
Protein change: p.Thr763Met; replaces threonine 763 with methionine.
Molecular consequence: missense variant. On other transcripts: non-coding transcript variant (1).
Genome position (GRCh38, 1-based): chr3:127,620,720, C>T. VCF-style: chr3-127620720-C-T. GRCh37 (hg19) VCF-style: chr3-127339563-C-T.
Other names: c.2288C>T (NM_004526.2); short protein forms T763M.
Identifiers: ClinVar variation 1362062 (VCV001362062.7), dbSNP rs757604548, ClinGen allele CA2596177.